The following is an entry in ClinVar:

NM_133443.4(GPT2):c.1149C>T (p.Ala383=)

Gene: GPT2 (glutamic--pyruvic transaminase 2; plus strand). Cytogenetic location: 16q11.2.
Variant type: single nucleotide variant.
Coding change: c.1149C>T on transcript NM_133443.4 (MANE Select); coding-DNA position 1149, C replaced by T.
Protein change: p.Ala383=; no amino-acid change (alanine 383 retained).
Molecular consequence: synonymous variant.
Genome position (GRCh38, 1-based): chr16:46,922,353, C>T. VCF-style: chr16-46922353-C-T. GRCh37 (hg19) VCF-style: chr16-46956265-C-T.
Other names: c.849C>T, p.Ala283= (NM_001142466.3).
Identifiers: ClinVar variation 753929 (VCV000753929.36), dbSNP rs149115741, ClinGen allele CA8038799.
Genomic context (GRCh38, chr16:46,922,353, plus strand): 5'-CAAGGGCCAGCTGGTGAAGCTGCTGTCGGTGCGCCTGTGCCCCCCAGTGTCTGGGCAGGC[C>T]GCCATGGACATTGTCGTGAACCCCCCGGTGGCAGGAGAGGAGTCCTTTGAGCAATTCAGC-3'
Protein context (NP_597700.1, residues 373-393): VRLCPPVSGQ[Ala383=]AMDIVVNPPV

ClinVar aggregate classification (germline): Likely benign. Review status: criteria provided, multiple submitters, no conflicts (2 of 4 stars). 3 submissions from 3 submitters: Likely benign (3). Last evaluated 2025-04-01.

Allele frequency attached by ClinVar (database versions not stated): ExAC 0.00016; gnomAD exomes 0.00023 and 0.00054; TOPMed 0.00038; gnomAD 0.00041 and 0.00043; ESP Exome Variant Server 0.00054.
gnomAD v4.1: 859 of 1,613,832 alleles (0.053%); highest among the groups gnomAD compares: Non-Finnish European, 0.067%; no homozygotes.

Submissions (3):

CeGaT Center for Human Genetics Tuebingen
Classification: Likely benign. Last evaluated: 2025-04-01. Review status: criteria provided, single submitter. Criteria: CeGaT Center For Human Genetics Tuebingen Variant Classification Criteria Version 2. Collection method: clinical testing. Allele origin: germline. Affected: yes. Observed: 4 variant alleles.
Comment: GPT2: BP4, BP7

Blueprint Genetics
Classification: Likely benign. Last evaluated: 2024-09-11. Review status: criteria provided, single submitter. Criteria: ACMG Guidelines, 2015. Collection method: clinical testing. Allele origin: germline.

Labcorp Genetics (formerly Invitae), Labcorp
Classification: Likely benign. Last evaluated: 2018-10-02. Review status: criteria provided, single submitter. Criteria: Invitae Variant Classification Sherloc (09022015). Collection method: clinical testing. Allele origin: germline.